The following is an entry in ClinVar:

NM_030957.4(ADAMTS10):c.2409G>C (p.Leu803=)

Gene: ADAMTS10 (ADAM metallopeptidase with thrombospondin type 1 motif 10; minus strand). Cytogenetic location: 19p13.2.
Variant type: single nucleotide variant.
Coding change: c.2409G>C on transcript NM_030957.4 (MANE Select); coding-DNA position 2409, G replaced by C.
Protein change: p.Leu803=; no amino-acid change (leucine 803 retained).
Molecular consequence: synonymous variant.
Genome position (GRCh38, 1-based): chr19:8,586,465, C>G on the plus strand (G>C on the coding strand, the complement: ADAMTS10 is on the minus strand). VCF-style: chr19-8586465-C-G. GRCh37 (hg19) VCF-style: chr19-8651349-C-G.
Other names: p.Leu803=; c.870G>C, p.Leu290= (NM_001282352.2).
Identifiers: ClinVar variation 330586 (VCV000330586.41), dbSNP rs61757472, ClinGen allele CA9160107.
Genomic context (GRCh38, chr19:8,586,465, plus strand): 5'-CGAGTCACGGGCGATGGGGGCATTGAAGCGGTAGCGGAGGGCAGGCAGCTCGGTCCGGGC[C>G]AGCACCTGGAGAAAGGGGGCGGCAGCCAGTGGAAGGATCGCATGGAGTCTCTAATTCCAA-3'
Protein context (NP_112219.3, residues 793-813): PINASLIVMV[Leu803=]ARTELPALRY

ClinVar aggregate classification (germline): Conflicting classifications of pathogenicity. Review status: criteria provided, conflicting classifications (1 of 4 stars). 5 submissions from 5 submitters: Uncertain significance (1); Benign (2); Likely benign (2). Last evaluated 2026-07-01.

Conditions:
Weill-Marchesani syndrome. Also called: WM Syndrome; Mesodermal dysmorphodystrophy congenital. Identifiers: Orphanet 3449, MedGen C0265313, MONDO:0018096.

Allele frequency attached by ClinVar (database versions not stated): gnomAD exomes 0.00017 and 0.00036; gnomAD 0.00183 and 0.00169; ESP Exome Variant Server 0.00185; ExAC 0.00039; 1000 Genomes Project 30x 0.00078; 1000 Genomes Project 0.00100; TOPMed 0.00170.
gnomAD v4.1: 539 of 1,613,662 alleles (0.033%); highest among the groups gnomAD compares: African/African-American, 0.62%; 4 homozygotes.

Submissions (5):

CeGaT Center for Human Genetics Tuebingen
Classification: Likely benign. Last evaluated: 2026-07-01. Review status: criteria provided, single submitter. Criteria: CeGaT Center For Human Genetics Tuebingen Variant Classification Criteria Version 2. Collection method: clinical testing. Allele origin: germline. Affected: yes. Observed: 2 variant alleles.
Comment: ADAMTS10: BP4, BP7

Labcorp Genetics (formerly Invitae), Labcorp
Classification: Benign. Last evaluated: 2026-01-19. Review status: criteria provided, single submitter. Criteria: Invitae Variant Classification Sherloc (09022015). Collection method: clinical testing. Allele origin: germline.

Mayo Clinic Laboratories, Mayo Clinic
Classification: Benign. Last evaluated: 2025-08-07. Review status: criteria provided, single submitter. Criteria: ACMG Guidelines, 2015. Collection method: clinical testing. Allele origin: germline. Observed: 1 variant allele.
Comment: BA1, BS2, BP4, BP7

Blueprint Genetics
Classification: Likely benign. Last evaluated: 2024-11-20. Review status: criteria provided, single submitter. Criteria: ACMG Guidelines, 2015. Collection method: clinical testing. Allele origin: germline.

Illumina Laboratory Services, Illumina
Classification: Uncertain significance for Weill-Marchesani syndrome. Last evaluated: 2018-01-12. Review status: criteria provided, single submitter. Criteria: ICSL Variant Classification Criteria 13 December 2019. Collection method: clinical testing. Allele origin: germline.